The following is an entry in ClinVar:

NM_020754.4(ARHGAP31):c.1868C>G (p.Ser623Cys)

Gene: ARHGAP31 (Rho GTPase activating protein 31; plus strand). Cytogenetic location: 3q13.33.
Variant type: single nucleotide variant.
Coding change: c.1868C>G on transcript NM_020754.4 (MANE Select); coding-DNA position 1868, C replaced by G.
Protein change: p.Ser623Cys; replaces serine 623 with cysteine.
Molecular consequence: missense variant.
Genome position (GRCh38, 1-based): chr3:119,409,718, C>G. VCF-style: chr3-119409718-C-G. GRCh37 (hg19) VCF-style: chr3-119128565-C-G.
Other names: short protein forms S623C.
Identifiers: ClinVar variation 3378253 (VCV003378253.1).
Genomic context (GRCh38, chr3:119,409,718, plus strand): 5'-AGAAGAGGCCAAATCCGGAGAAGGTGGTGGAGGAGGGACGAGAGGCTGGTGAGATGGAGT[C>G]CAGCACCCTGCAGGAGAGCCCCAGGGCCAGAGCCGAAGCTGTGCTTCTCCATGAGATGGT-3'
Protein context (NP_065805.2, residues 613-633): EEGREAGEME[Ser623Cys]STLQESPRAR

ClinVar aggregate classification (germline): Uncertain significance (1 of 4 stars; one submission).

Submission:

GeneDx
Classification: Uncertain significance. Last evaluated: 2024-05-13. Review status: criteria provided, single submitter. Criteria: GeneDx Variant Classification Process June 2021. Collection method: clinical testing. Allele origin: germline. Affected: yes.
Comment: Not observed at significant frequency in large population cohorts (gnomAD); In silico analysis indicates that this missense variant does not alter protein structure/function; Has not been previously published as pathogenic or benign to our knowledge